The following is an entry in ClinVar:

NM_001374385.1(ATP8B1):c.3260_3261delAG (p.Gln1087fs)

Genes: ATP8B1 (ATPase phospholipid transporting 8B1; minus strand), ATP8B1-AS1 (ATP8B1 antisense RNA 1; plus strand). Cytogenetic location: 18q21.31.
Variant type: Deletion.
Coding change: c.3260_3261delAG on transcript NM_001374385.1 (MANE Select); coding-DNA positions 3260 to 3261, 2 bases deleted (AG).
Protein change: p.Gln1087fs; shifts the reading frame from glutamine 1087.
Molecular consequence: frameshift variant.
Genome position (GRCh38, 1-based): chr18:57,652,484-57,652,485, CT deleted on the plus strand (AG on the coding strand, the reverse complement: ATP8B1 is on the minus strand). VCF-style (leftmost placement, unchanged base first): chr18-57652483-CCT-C. GRCh37 (hg19) VCF-style: chr18-55319715-CCT-C.
Other names: c.3110_3111delAG, p.Gln1037fs (NM_001374386.1); c.3260_3261delAG, p.Gln1087fs (NM_005603.6); short protein forms Q1087fs, Q1037fs.
Identifiers: ClinVar variation 3643248 (VCV003643248.2).

ClinVar aggregate classification (germline): Pathogenic (1 of 4 stars; one submission).

Submission:

Labcorp Genetics (formerly Invitae), Labcorp
Classification: Pathogenic. Last evaluated: 2024-02-25. Review status: criteria provided, single submitter. Criteria: Invitae Variant Classification Sherloc (09022015). Collection method: clinical testing. Allele origin: germline.
Comment: This sequence change creates a premature translational stop signal (p.Gln1087Hisfs*29) in the ATP8B1 gene. It is expected to result in an absent or disrupted protein product. Loss-of-function variants in ATP8B1 are known to be pathogenic (PMID: 15239083, 22525741). This variant is not present in population databases (gnomAD no frequency). This variant has not been reported in the literature in individuals affected with ATP8B1-related conditions. Algorithms developed to predict the effect of sequence changes on RNA splicing suggest that this variant may disrupt the consensus splice site. For these reasons, this variant has been classified as Pathogenic.

Literature cited by the submitters: PubMed 15239083; PubMed 22525741.